The following is an entry in ClinVar:

ClinVar aggregate classification (germline): Benign/Likely benign. Review status: criteria provided, multiple submitters, no conflicts (2 of 4 stars). 4 submissions from 4 submitters: Benign (3); Likely benign (1). Last evaluated 2025-12-30.

Allele frequency attached by ClinVar (database versions not stated): gnomAD exomes 0.00041 and 0.00090; gnomAD 0.00055 and 0.00057; TOPMed 0.00062; ESP Exome Variant Server 0.00069; ExAC 0.00080.
gnomAD v4.1: 721 of 1,612,746 alleles (0.045%); highest among the groups gnomAD compares: Middle Eastern, 0.092%; 3 homozygotes.

Submissions (4):

Labcorp Genetics (formerly Invitae), Labcorp
Classification: Benign. Last evaluated: 2025-12-30. Review status: criteria provided, single submitter. Criteria: Invitae Variant Classification Sherloc (09022015). Collection method: clinical testing. Allele origin: germline.

CeGaT Center for Human Genetics Tuebingen
Classification: Likely benign. Last evaluated: 2023-12-01. Review status: criteria provided, single submitter. Criteria: CeGaT Center For Human Genetics Tuebingen Variant Classification Criteria Version 2. Collection method: clinical testing. Allele origin: germline. Affected: yes. Observed: 1 variant allele.
Comment: VAV1: BP4, BP7

ARUP Laboratories, Molecular Genetics and Genomics, ARUP Laboratories
Classification: Benign. Last evaluated: 2017-03-28. Review status: criteria provided, single submitter. Criteria: ARUP Molecular Germline Variant Investigation Process. Collection method: clinical testing. Allele origin: germline.

Breakthrough Genomics
Classification: Benign. Review status: criteria provided, single submitter. Criteria: ACMG Guidelines, 2015. Collection method: not provided. Allele origin: germline. Inheritance: Unknown mechanism. Affected: yes.

NM_005428.4(VAV1):c.738T>C (p.Val246=)

Gene: VAV1 (vav guanine nucleotide exchange factor 1; plus strand). Cytogenetic location: 19p13.3.
Variant type: single nucleotide variant.
Coding change: c.738T>C on transcript NM_005428.4 (MANE Select); coding-DNA position 738, T replaced by C.
Protein change: p.Val246=; no amino-acid change (valine 246 retained).
Molecular consequence: synonymous variant.
Genome position (GRCh38, 1-based): chr19:6,825,317, T>C. VCF-style: chr19-6825317-T-C. GRCh37 (hg19) VCF-style: chr19-6825328-T-C.
Other names: c.738T>C, p.Val246= (NM_001258206.2); c.642T>C, p.Val214= (NM_001258207.2).
Identifiers: ClinVar variation 440402 (VCV000440402.39), dbSNP rs61761611, ClinGen allele CA9132340.